The following is an entry in ClinVar:

ClinVar aggregate classification (germline): Benign/Likely benign. Review status: criteria provided, multiple submitters, no conflicts (2 of 4 stars). 5 submissions from 5 submitters: Benign (1); Likely benign (2). 2 of the submissions do not count toward it. Last evaluated 2026-01-16.

Conditions:
KMT2C-related disorder. Also called: KMT2C-related disorders; KMT2C-related condition.
Inborn genetic diseases. Identifiers: MedGen C0950123, MeSH D030342.

Allele frequency attached by ClinVar (database versions not stated): ExAC 0.00067; 1000 Genomes Project 0.00080; 1000 Genomes Project 30x 0.00109; gnomAD 0.00229 and 0.00247; TOPMed 0.00257; ESP Exome Variant Server 0.00284.

Submissions (5):

Labcorp Genetics (formerly Invitae), Labcorp
Classification: Likely benign. Last evaluated: 2026-01-16. Review status: criteria provided, single submitter. Criteria: Invitae Variant Classification Sherloc (09022015). Collection method: clinical testing. Allele origin: germline.

Blueprint Genetics
Classification: Likely benign. Last evaluated: 2024-11-25. Review status: criteria provided, single submitter. Criteria: ACMG Guidelines, 2015. Collection method: clinical testing. Allele origin: germline.

Ambry Genetics
Classification: Benign for Inborn genetic diseases. Last evaluated: 2021-11-29. Review status: criteria provided, single submitter. Criteria: Ambry Variant Classification Scheme 2023. Collection method: clinical testing. Allele origin: germline.

PreventionGenetics, part of Exact Sciences
Classification: Benign for KMT2C-related condition. Last evaluated: 2022-03-01. Review status: no assertion criteria provided. Collection method: clinical testing. Allele origin: germline. Not counted in ClinVar's aggregate classification.
Comment: This variant is classified as benign based on ACMG/AMP sequence variant interpretation guidelines (Richards et al. 2015 PMID: 25741868, with internal and published modifications).

ITMI
No classification provided. Condition: AllHighlyPenetrant. Last evaluated: 2013-09-19. Review status: no classification provided. Collection method: reference population. Allele origin: germline. Not counted in ClinVar's aggregate classification.
Comment: Please see associated publication for description of ethnicities

Literature cited by the submitters: PubMed 24728327 (cited by ITMI).

NM_170606.3(KMT2C):c.6275A>T (p.Asp2092Val)

Gene: KMT2C (lysine methyltransferase 2C; minus strand). Cytogenetic location: 7q36.1.
Variant type: single nucleotide variant.
Coding change: c.6275A>T on transcript NM_170606.3 (MANE Select); coding-DNA position 6275, A replaced by T.
Protein change: p.Asp2092Val; replaces aspartic acid 2092 with valine.
Molecular consequence: missense variant.
Genome position (GRCh38, 1-based): chr7:152,181,585, T>A on the plus strand (A>T on the coding strand, the complement: KMT2C is on the minus strand). VCF-style: chr7-152181585-T-A. GRCh37 (hg19) VCF-style: chr7-151878670-T-A.
Other names: short protein forms D2092V.
Identifiers: ClinVar variation 134755 (VCV000134755.15), dbSNP rs140719911, ClinGen allele CA160681.